The following is an entry in ClinVar:

ClinVar aggregate classification (germline): Uncertain significance (1 of 4 stars; one submission).

gnomAD v4.1: 2 of 1,614,118 alleles (0.00012%); highest among the groups gnomAD compares: Non-Finnish European, 0.00017%; no homozygotes.

Submission:

Labcorp Genetics (formerly Invitae), Labcorp
Classification: Uncertain significance. Last evaluated: 2024-07-30. Review status: criteria provided, single submitter. Criteria: Invitae Variant Classification Sherloc (09022015). Collection method: clinical testing. Allele origin: germline.
Comment: This sequence change replaces serine, which is neutral and polar, with phenylalanine, which is neutral and non-polar, at codon 1017 of the KANK1 protein (p.Ser1017Phe). This variant is not present in population databases (gnomAD no frequency). This variant has not been reported in the literature in individuals affected with KANK1-related conditions. ClinVar contains an entry for this variant (Variation ID: 1903093). Advanced modeling of protein sequence and biophysical properties (such as structural, functional, and spatial information, amino acid conservation, physicochemical variation, residue mobility, and thermodynamic stability) performed at Invitae indicates that this missense variant is expected to disrupt KANK1 protein function with a positive predictive value of 80%. In summary, the available evidence is currently insufficient to determine the role of this variant in disease. Therefore, it has been classified as a Variant of Uncertain Significance.

NM_015158.5(KANK1):c.3050C>T (p.Ser1017Phe)

Gene: KANK1 (KN motif and ankyrin repeat domains 1; plus strand). Cytogenetic location: 9p24.3.
Variant type: single nucleotide variant.
Coding change: c.3050C>T on transcript NM_015158.5 (MANE Select); coding-DNA position 3050, C replaced by T.
Protein change: p.Ser1017Phe; replaces serine 1017 with phenylalanine.
Molecular consequence: missense variant. On other transcripts: intron variant (5).
Genome position (GRCh38, 1-based): chr9:732,422, C>T. VCF-style: chr9-732422-C-T. GRCh37 (hg19) VCF-style: chr9-732422-C-T.
Other names: c.3050C>T, p.Ser1017Phe (NM_001256876.3, NM_001256877.3, NM_001354334.2); c.2996C>T, p.Ser999Phe (NM_001354332.2); c.2576C>T, p.Ser859Phe (NM_001354333.2, NM_001354335.2, NM_001354337.2 and 2 more transcripts); c.2522C>T, p.Ser841Phe (NM_001354338.2, NM_001354340.2, NM_001354344.2); c.3005+1156C>T (NM_001354331.2); c.2477+1156C>T (NM_001354336.2); c.2531+1156C>T (NM_001354339.2, NM_001354343.2, NM_001354342.2); short protein forms S841F, S859F, S999F, S1017F.
Identifiers: ClinVar variation 1903093 (VCV001903093.5), dbSNP rs767597016, ClinGen allele CA372757051.